The following is an entry in ClinVar:

NM_024675.4(PALB2):c.1685-2A>C

Gene: PALB2 (partner and localizer of BRCA2; minus strand). Cytogenetic location: 16p12.2.
Variant type: single nucleotide variant.
Coding change: c.1685-2A>C on transcript NM_024675.4 (MANE Select); the canonical splice acceptor site of the intron before coding-DNA position 1685, A replaced by C.
Molecular consequence: splice acceptor variant. On other transcripts: intron variant (1).
Genome position (GRCh38, 1-based): chr16:23,630,471, T>G on the plus strand (A>C on the coding strand, the complement: PALB2 is on the minus strand). VCF-style: chr16-23630471-T-G. GRCh37 (hg19) VCF-style: chr16-23641792-T-G.
Other names: c.800-2A>C (NM_001407308.1, NM_001407306.1, NM_001407307.1 and 5 more transcripts); c.49-1196A>C (NM_001407314.1); c.-104-2A>C (NM_001407313.1, NM_001407312.1); c.1625-2A>C (NM_001407296.1); c.1685-2A>C (NM_001407297.1, NM_001407302.1, NM_001407298.1 and 3 more transcripts).
Identifiers: ClinVar variation 1042118 (VCV001042118.15), dbSNP rs754660432, ClinGen allele CA395128498.

ClinVar aggregate classification (germline): Conflicting classifications of pathogenicity. Review status: criteria provided, conflicting classifications (1 of 4 stars). 2 submissions from 2 submitters: Likely pathogenic (1); Uncertain significance (1). Last evaluated 2026-02-11.

Conditions:
Familial cancer of breast. Also called: BREAST CANCER, FAMILIAL; hereditary breast carcinoma; Hereditary breast cancer. Identifiers: Orphanet 227535, MedGen C0346153, MONDO:0016419, OMIM 114480. Disease mechanism: loss of function.
Hereditary cancer-predisposing syndrome. Also called: Hereditary Cancer Syndrome; Neoplastic Syndromes, Hereditary; Tumor predisposition; Hereditary neoplastic syndrome. Identifiers: Orphanet 140162, MedGen C0027672, MeSH D009386, MONDO:0015356.

Submissions (2):

Ambry Genetics
Classification: Likely pathogenic for Hereditary cancer-predisposing syndrome. Last evaluated: 2026-02-11. Review status: criteria provided, single submitter. Criteria: Ambry Variant Classification Scheme 2023. Collection method: clinical testing. Allele origin: germline.
Comment: The c.1685-2A>C intronic variant results from an A to C substitution two nucleotides before coding exon 5 in the PALB2 gene. Published RNA studies have identified abnormally spliced transcripts that are predicted to result in nonsense-mediated mRNA decay associated with this variant (Valenzuela-Palomo A et al. J Pathol, 2022 03;256:321-334). This variant is considered to be rare based on population cohorts in the Genome Aggregation Database (gnomAD). This nucleotide position is highly conserved in available vertebrate species. In silico splice site analysis predicts that this alteration will weaken the native splice acceptor site. Variants that disrupt the canonical splice site are expected to cause aberrant splicing, resulting in an abnormal protein or a transcript that is subject to nonsense-mediated mRNA decay. As such, this alteration is classified as likely pathogenic.

Labcorp Genetics (formerly Invitae), Labcorp
Classification: Uncertain significance for Familial cancer of breast. Last evaluated: 2025-11-01. Review status: criteria provided, single submitter. Criteria: Invitae Variant Classification Sherloc (09022015). Collection method: clinical testing. Allele origin: germline.
Comment: This sequence change affects an acceptor splice site in intron 4 of the PALB2 gene. It is expected to disrupt RNA splicing. Variants that disrupt the donor or acceptor splice site typically lead to a loss of protein function (PMID: 16199547), and loss-of-function variants in PALB2 are known to be pathogenic (PMID: 17200668, 17200671, 17200672, 24136930, 25099575). This variant is not present in population databases (gnomAD no frequency). Disruption of this splice site has been observed in individual(s) with breast cancer (PMID: 34846068). ClinVar contains an entry for this variant (Variation ID: 1042118). Studies have shown that disruption of this splice site is associated with inconclusive levels of altered splicing (PMID: 34846068). Experimental studies have shown that sequence changes at this splice site disrupt the consensus splice site and strengthen a cryptic acceptor site in exon 5, located 24 nucleotides downstream of the natural splice site. This results in an alternative transcript with an in-frame deletion of 8 amino acids, which do not affect known functional domains and/or critical residues (PMID: 30890586). Also, this alternative transcript has been shown to occur naturally in healthy individuals (PMID: 30890586). These studies suggest that the clinical significance of this splice variant may be uncertain. In summary, the available evidence is currently insufficient to determine the role of this variant in disease. Therefore, it has been classified as a Variant of Uncertain Significance.

Literature cited by the submitters: PubMed 34846068 (cited by Ambry Genetics and Labcorp Genetics (formerly Invitae), Labcorp); PubMed 16199547 (cited by Labcorp Genetics (formerly Invitae), Labcorp); PubMed 17200668 (cited by Labcorp Genetics (formerly Invitae), Labcorp); PubMed 17200671 (cited by Labcorp Genetics (formerly Invitae), Labcorp); PubMed 17200672 (cited by Labcorp Genetics (formerly Invitae), Labcorp); PubMed 24136930 (cited by Labcorp Genetics (formerly Invitae), Labcorp); PubMed 25099575 (cited by Labcorp Genetics (formerly Invitae), Labcorp); PubMed 30890586 (cited by Labcorp Genetics (formerly Invitae), Labcorp).